The following is an entry in ClinVar:

ClinVar aggregate classification (germline): Likely pathogenic (1 of 4 stars; one submission).

Conditions:
Inborn genetic diseases. Identifiers: MedGen C0950123, MeSH D030342.

Submission:

Ambry Genetics
Classification: Likely pathogenic for Inborn genetic diseases. Last evaluated: 2020-01-14. Review status: criteria provided, single submitter. Criteria: Ambry Variant Classification Scheme 2023. Collection method: clinical testing. Allele origin: germline.
Comment: The c.2512_2514delTTT variant (also known as p.F838del) is located in coding exon 14 of the SCN1A gene. This variant results from an in-frame TTT deletion at nucleotide positions 2512 to 2514. This results in the in-frame deletion of a phenylalanine at codon 838. ln addition, this alteration is predicted to disrupt the structure of an transmembrane alpha-helix in a sensitive voltage-sensing domain of SCN1A (Ambry internal data). This amino acid position is well conserved in available vertebrate species. In addition, this alteration is predicted to be deleterious by in silico analysis (Choi Y et al., PLoS ONE 2012; 7(10):e46688). Based on the majority of available evidence to date, this variant is likely to be pathogenic.

NM_001165963.4(SCN1A):c.2512_2514del (p.Phe838del)

Gene: SCN1A (sodium voltage-gated channel alpha subunit 1; minus strand). Cytogenetic location: 2q24.3.
Variant type: Deletion.
Coding change: c.2512_2514del on transcript NM_001165963.4 (MANE Select); coding-DNA positions 2512 to 2514, 3 bases deleted (TTT; older notation c.2512_2514delTTT).
Protein change: p.Phe838del; deletes phenylalanine 838.
Molecular consequence: inframe deletion. On other transcripts: non-coding transcript variant (1).
Genome position (GRCh38, 1-based): chr2:166,039,498-166,039,500, AAA deleted on the plus strand (TTT on the coding strand, the reverse complement: SCN1A is on the minus strand); deleting any 3 consecutive bases within chr2:166,039,498-166,039,501 gives the same sequence; the c. name uses the placement nearest the transcript's 3' end. VCF-style (leftmost placement, unchanged base first): chr2-166039497-TAAA-T. GRCh37 (hg19) VCF-style: chr2-166896007-TAAA-T.
Other names: c.2428_2430del, p.Phe810del (NM_001165964.3, NM_001353957.2, NM_001353958.2); c.2512_2514del, p.Phe838del (NM_001202435.3, NM_001353948.2); c.2479_2481del, p.Phe827del (NM_001353949.2, NM_001353950.2, NM_001353951.2 and 2 more transcripts); c.2476_2478del, p.Phe826del (NM_001353954.2, NM_001353955.2); c.2425_2427del, p.Phe809del (NM_001353960.2); c.70_72del, p.Phe24del (NM_001353961.2); short protein forms F827del, F24del, F809del, F838del, F810del, F826del.
Identifiers: ClinVar variation 1792411 (VCV001792411.2), dbSNP rs2105817065, ClinGen allele CA2580064546.